The following is an entry in ClinVar:

ClinVar aggregate classification (germline): Uncertain significance (1 of 4 stars; one submission).

Conditions:
Glycogen storage disease due to muscle and heart glycogen synthase deficiency. Also called: GSD 0b; MUSCLE GLYCOGEN SYNTHASE DEFICIENCY. Identifiers: Orphanet 137625, MedGen C1969054, MONDO:0012693, OMIM 611556.

Submission:

Labcorp Genetics (formerly Invitae), Labcorp
Classification: Uncertain significance for Glycogen storage disease due to muscle and heart glycogen synthase deficiency. Last evaluated: 2025-11-21. Review status: criteria provided, single submitter. Criteria: Invitae Variant Classification Sherloc (09022015). Collection method: clinical testing. Allele origin: germline.
Comment: This sequence change replaces lysine, which is basic and polar, with glutamine, which is neutral and polar, at codon 97 of the GYS1 protein (p.Lys97Gln). This variant is not present in population databases (gnomAD no frequency). This variant has not been reported in the literature in individuals affected with GYS1-related conditions. Invitae Evidence Modeling of protein sequence and biophysical properties (such as structural, functional, and spatial information, amino acid conservation, physicochemical variation, residue mobility, and thermodynamic stability) indicates that this missense variant is not expected to disrupt GYS1 protein function with a negative predictive value of 80%. In summary, the available evidence is currently insufficient to determine the role of this variant in disease. Therefore, it has been classified as a Variant of Uncertain Significance.

NM_002103.5(GYS1):c.289A>C (p.Lys97Gln)

Gene: GYS1 (glycogen synthase 1; minus strand). Cytogenetic location: 19q13.33.
Variant type: single nucleotide variant.
Coding change: c.289A>C on transcript NM_002103.5 (MANE Select); coding-DNA position 289, A replaced by C.
Protein change: p.Lys97Gln; replaces lysine 97 with glutamine.
Molecular consequence: missense variant.
Genome position (GRCh38, 1-based): chr19:48,991,313, T>G on the plus strand (A>C on the coding strand, the complement: GYS1 is on the minus strand). VCF-style: chr19-48991313-T-G. GRCh37 (hg19) VCF-style: chr19-49494570-T-G.
Other names: c.289A>C, p.Lys97Gln (NM_001161587.2); short protein forms K97Q.
Identifiers: ClinVar variation 4736711 (VCV004736711.1).